The following is an entry in ClinVar:

ClinVar aggregate classification (germline): Uncertain significance (1 of 4 stars; one submission).

Conditions:
Developmental and epileptic encephalopathy 103 (DEE103). Identifiers: MedGen C5677002, MONDO:0030957, OMIM 619913.

gnomAD v4.1: 1 of 1,613,662 alleles (0.000062%); highest among the groups gnomAD compares: Admixed American, 0.0017%; no homozygotes.

Submission:

3billion
Classification: Uncertain significance for Developmental and epileptic encephalopathy 103. Last evaluated: 2025-02-26. Review status: criteria provided, single submitter. Criteria: ACMG Guidelines, 2015. Collection method: clinical testing. Allele origin: germline. Affected: yes.
Comment: The variant is observed at an extremely low frequency in the gnomAD v4.1.0 dataset (total allele frequency: <0.001%). Predicted Consequence/Location: Missense variant. Missense changes are a common disease-causing mechanism. Therefore, this variant is classified as VUS according to the recommendation of ACMG/AMP guideline.

NM_139137.4(KCNC2):c.1495C>T (p.Pro499Ser)

Gene: KCNC2 (potassium voltage-gated channel subfamily C member 2; minus strand). Cytogenetic location: 12q21.1.
Variant type: single nucleotide variant.
Coding change: c.1495C>T on transcript NM_139137.4 (MANE Select); coding-DNA position 1495, C replaced by T.
Protein change: p.Pro499Ser; replaces proline 499 with serine.
Molecular consequence: missense variant. On other transcripts: non-coding transcript variant (1).
Genome position (GRCh38, 1-based): chr12:75,050,510, G>A on the plus strand (C>T on the coding strand, the complement: KCNC2 is on the minus strand). VCF-style: chr12-75050510-G-A. GRCh37 (hg19) VCF-style: chr12-75444290-G-A.
Other names: c.1495C>T, p.Pro499Ser (NM_001260497.2, NM_001260498.2, NM_001260499.2 and 13 more transcripts); short protein forms P499S.
Identifiers: ClinVar variation 4292721 (VCV004292721.1).